The following is an entry in ClinVar:

ClinVar aggregate classification (germline): Likely benign. Review status: criteria provided, single submitter (1 of 4 stars). 2 submissions from 2 submitters: Likely benign (1). 1 of the submissions does not count toward it. Last evaluated 2023-12-30.

Conditions:
IQCB1-related disorder. Also called: IQCB1-related condition.
Nephronophthisis. Also called: Juvenile Nephronophthisis. Identifiers: Orphanet 655, MedGen C0687120, MONDO:0019005, HP:0000090.

Allele frequency attached by ClinVar (database versions not stated): gnomAD exomes below 0.00001.

Submissions (2):

Labcorp Genetics (formerly Invitae), Labcorp
Classification: Likely benign for Nephronophthisis. Last evaluated: 2023-12-30. Review status: criteria provided, single submitter. Criteria: Invitae Variant Classification Sherloc (09022015). Collection method: clinical testing. Allele origin: germline.

PreventionGenetics, part of Exact Sciences
Classification: Likely benign for IQCB1-related condition. Last evaluated: 2024-08-25. Review status: no assertion criteria provided. Collection method: clinical testing. Allele origin: germline. Not counted in ClinVar's aggregate classification.
Comment: This variant is classified as likely benign based on ACMG/AMP sequence variant interpretation guidelines (Richards et al. 2015 PMID: 25741868, with internal and published modifications).

NM_001023570.4(IQCB1):c.1746G>A (p.Glu582=)

Gene: IQCB1 (IQ motif containing B1; minus strand). Cytogenetic location: 3q13.33.
Variant type: single nucleotide variant.
Coding change: c.1746G>A on transcript NM_001023570.4 (MANE Select); coding-DNA position 1746, G replaced by A.
Protein change: p.Glu582=; no amino-acid change (glutamic acid 582 retained).
Molecular consequence: synonymous variant. On other transcripts: non-coding transcript variant (1).
Genome position (GRCh38, 1-based): chr3:121,770,396, C>T on the plus strand (G>A on the coding strand, the complement: IQCB1 is on the minus strand). VCF-style: chr3-121770396-C-T. GRCh37 (hg19) VCF-style: chr3-121489243-C-T.
Other names: c.1347G>A, p.Glu449= (NM_001023571.4); c.1746G>A, p.Glu582= (NM_001319107.2); c.1746G>A (NM_001023570.3).
Identifiers: ClinVar variation 1141451 (VCV001141451.10), dbSNP rs1215687445, ClinGen allele CA435245877.